The following is an entry in ClinVar:

NM_153240.5(NPHP3):c.3039A>C (p.Glu1013Asp)

Genes: NPHP3 (nephrocystin 3; minus strand), NPHP3-ACAD11 (NPHP3-ACAD11 readthrough (NMD candidate); minus strand). Cytogenetic location: 3q22.1.
Variant type: single nucleotide variant.
Coding change: c.3039A>C on transcript NM_153240.5 (MANE Select); coding-DNA position 3039, A replaced by C.
Protein change: p.Glu1013Asp; replaces glutamic acid 1013 with aspartic acid.
Molecular consequence: missense variant. On other transcripts: non-coding transcript variant (1).
Genome position (GRCh38, 1-based): chr3:132,688,736, T>G on the plus strand (A>C on the coding strand, the complement: NPHP3 is on the minus strand). VCF-style: chr3-132688736-T-G. GRCh37 (hg19) VCF-style: chr3-132407580-T-G.
Other names: short protein forms E1013D.
Identifiers: ClinVar variation 1377505 (VCV001377505.5), dbSNP rs941727035, ClinGen allele CA83584736.

ClinVar aggregate classification (germline): Uncertain significance. Review status: criteria provided, multiple submitters, no conflicts (2 of 4 stars). 2 submissions from 2 submitters: Uncertain significance (2). Last evaluated 2025-02-24.

Conditions:
Nephronophthisis. Also called: Juvenile Nephronophthisis. Identifiers: Orphanet 655, MedGen C0687120, MONDO:0019005, HP:0000090.
NPHP3-related Meckel-like syndrome. Also called: Meckel syndrome type 7; GOLDSTON SYNDROME. Identifiers: Orphanet 3032, MedGen C2673885, MONDO:0009966, OMIM 267010.
Nephronophthisis 3 (NPHP3). Also called: Adolescent nephronophthisis. Identifiers: Orphanet 655, MedGen C1858392, MONDO:0011456, OMIM 604387.
Renal-hepatic-pancreatic dysplasia 1 (RHPD1). Identifiers: MedGen C3715199, MONDO:0008833, OMIM 208540.

Allele frequency attached by ClinVar (database versions not stated): gnomAD exomes below 0.00001; gnomAD 0.00001 and 0.00002; TOPMed 0.00002.
gnomAD v4.1: 3 of 1,614,034 alleles (0.00019%); highest among the groups gnomAD compares: African/African-American, 0.004%; no homozygotes.

Submissions (2):

Labcorp Genetics (formerly Invitae), Labcorp
Classification: Uncertain significance for Nephronophthisis. Last evaluated: 2025-02-24. Review status: criteria provided, single submitter. Criteria: Invitae Variant Classification Sherloc (09022015). Collection method: clinical testing. Allele origin: germline.
Comment: This sequence change replaces glutamic acid, which is acidic and polar, with aspartic acid, which is acidic and polar, at codon 1013 of the NPHP3 protein (p.Glu1013Asp). This variant is present in population databases (no rsID available, gnomAD 0.02%). This variant has not been reported in the literature in individuals affected with NPHP3-related conditions. ClinVar contains an entry for this variant (Variation ID: 1377505). Invitae Evidence Modeling of protein sequence and biophysical properties (such as structural, functional, and spatial information, amino acid conservation, physicochemical variation, residue mobility, and thermodynamic stability) has been performed for this missense variant. However, the output from this modeling did not meet the statistical confidence thresholds required to predict the impact of this variant on NPHP3 protein function. In summary, the available evidence is currently insufficient to determine the role of this variant in disease. Therefore, it has been classified as a Variant of Uncertain Significance.

Fulgent Genetics
Classification: Uncertain significance for Renal-hepatic-pancreatic dysplasia 1; NPHP3-related Meckel-like syndrome; Nephronophthisis 3. Last evaluated: 2021-10-14. Review status: criteria provided, single submitter. Criteria: ACMG Guidelines, 2015. Collection method: clinical testing. Allele origin: unknown.